The following is an entry in ClinVar:

ClinVar aggregate classification (germline): Pathogenic (1 of 4 stars; one submission).

Conditions:
Usher syndrome type 2C. Also called: USHER SYNDROME, TYPE IIC; Usher syndrome, type 2B. Identifiers: Orphanet 231178, Orphanet 886, MedGen C2931213, MONDO:0011558, OMIM 605472.

Submission:

Victorian Clinical Genetics Services, Murdoch Childrens Research Institute
Classification: Pathogenic for Usher syndrome type 2C. Last evaluated: 2025-12-03. Review status: criteria provided, single submitter. Criteria: ACMG Guidelines, 2015. Collection method: clinical testing. Allele origin: germline. Affected: yes.
Comment: This variant is classified as Pathogenic. Evidence in support of pathogenic classification: Variant is predicted to cause nonsense-mediated decay (NMD) and loss of protein (premature termination codon is located at least 54 nucleotides upstream of the final exon-exon junction); Variant is absent from gnomAD (v2, v3 and v4); Other NMD-predicted variant(s) comparable to the one identified in this case have very strong previous evidence for pathogenicity (DECIPHER). Additional information: This variant is heterozygous; This gene is associated with autosomal recessive disease. There is an emerging autosomal dominant association with epilepsy (MONDO:0005027), ADGRV1-related (PanelApp Australia); This variant has no previous evidence of pathogenicity; No published evidence of segregation with disease has been identified for this variant; No published functional evidence has been identified for this variant; Loss of function is a known mechanism of disease in this gene and is associated with Usher syndrome, type 2C (MIM#605472); Inheritance information for this variant is not currently available in this individual.

NM_032119.4(ADGRV1):c.10999G>T (p.Glu3667Ter)

Gene: ADGRV1 (adhesion G protein-coupled receptor V1; plus strand). Cytogenetic location: 5q14.3.
Variant type: single nucleotide variant.
Coding change: c.10999G>T on transcript NM_032119.4 (MANE Select); coding-DNA position 10999, G replaced by T.
Protein change: p.Glu3667Ter; replaces glutamic acid 3667 with a stop codon.
Molecular consequence: nonsense. On other transcripts: non-coding transcript variant (1).
Genome position (GRCh38, 1-based): chr5:90,750,575, G>T. VCF-style: chr5-90750575-G-T. GRCh37 (hg19) VCF-style: chr5-90046392-G-T.
Other names: short protein forms E3667*.
Identifiers: ClinVar variation 4819011 (VCV004819011.1).